The following is an entry in ClinVar:

ClinVar aggregate classification (germline): Likely pathogenic (1 of 4 stars; one submission).

Conditions:
Biotinidase deficiency. Also called: BTD deficiency; Late-onset biotin-responsive multiple carboxylase deficiency; Biotin deficiency. Identifiers: Orphanet 79241, MedGen C0220754, MONDO:0009665, OMIM 253260.

Submission:

Natera, Inc.
Classification: Likely pathogenic for Biotinidase deficiency. Last evaluated: 2025-05-13. Review status: criteria provided, single submitter. Criteria: Natera Variant Classification Schema (03/2026). Collection method: clinical testing. Allele origin: germline.
Comment: The c.1394dup variant in BTD is a frameshift variant predicted to shift the reading frame beginning at codon 466 and leads to a stop codon 18 codons downstream. This variant is expected to result in nonsense mediated decay, truncation, or a dysfunctional protein product. This variant is rare in the general population with a frequency below the threshold expected for the associated phenotype(s). Given the available evidence, this variant is classified as Likely Pathogenic.

NM_000060.4:c.1394dup

Variant type: Insertion.
Other names: c.1394dup (NM_000060.4).
Identifiers: ClinVar variation 4815966 (VCV004815966.1).